The following is an entry in ClinVar:

ClinVar aggregate classification (germline): Likely benign (0 of 4 stars; one submission).

Conditions:
MUC16-related disorder. Also called: MUC16-related condition.

Submission:

PreventionGenetics, part of Exact Sciences
Classification: Likely benign for MUC16-related condition. Last evaluated: 2019-10-28. Review status: no assertion criteria provided. Collection method: clinical testing. Allele origin: germline.
Comment: This variant is classified as likely benign based on ACMG/AMP sequence variant interpretation guidelines (Richards et al. 2015 PMID: 25741868, with internal and published modifications).

NM_001401501.2(MUC16):c.4818C>T (p.His1606=)

Gene: MUC16 (mucin 16, cell surface associated; minus strand). Cytogenetic location: 19p13.2.
Variant type: single nucleotide variant.
Coding change: c.4818C>T on transcript NM_001401501.2 (MANE Select); coding-DNA position 4818, C replaced by T.
Protein change: p.His1606=; no amino-acid change (histidine 1606 retained).
Molecular consequence: synonymous variant.
Genome position (GRCh38, 1-based): chr19:8,976,441, G>A on the plus strand (C>T on the coding strand, the complement: MUC16 is on the minus strand). VCF-style: chr19-8976441-G-A. GRCh37 (hg19) VCF-style: chr19-9087117-G-A.
Other names: c.5244C>T, p.His1748= (NM_001414686.1); c.4698C>T, p.His1566= (NM_001414687.1, NM_024690.2).
Identifiers: ClinVar variation 3355478 (VCV003355478.1).
Genomic context (GRCh38, chr19:8,976,441, plus strand): 5'-AAGATGGGAAGGGGATGCTGAGGCTGGTATAGATGTTTGATCTTTGAGTGACTGTGTCAC[G>A]TGAGTAGGACTCATCGTTGCAGAAAGGGTGTCCTGTGCTTGTGTTGAGTGTTCAATCACA-3'
Protein context (NP_001388430.1, residues 1596-1616): DTLSATMSPT[His1606=]VTQSLKDQTS